The following is an entry in ClinVar:

ClinVar aggregate classification (germline): Conflicting classifications of pathogenicity. Review status: criteria provided, conflicting classifications (1 of 4 stars). 2 submissions from 2 submitters: Uncertain significance (1); Likely benign (1). Last evaluated 2024-10-15.

Conditions:
Hereditary breast ovarian cancer syndrome. Also called: Hereditary breast and ovarian cancer syndrome (HBOC); Hereditary breast and ovarian cancer syndrome; Breast and ovarian cancer; BRCA1- and BRCA2-Associated Hereditary Breast and Ovarian Cancer; Hereditary breast and ovarian cancer; Hereditary breast and/or ovarian cancer syndrome. Identifiers: Orphanet 145, MedGen C0677776, MeSH D061325, MONDO:0003582. Disease mechanism: loss of function.
Hereditary cancer-predisposing syndrome. Also called: Neoplastic Syndromes, Hereditary; Hereditary Cancer Syndrome; Tumor predisposition; Hereditary neoplastic syndrome. Identifiers: Orphanet 140162, MedGen C0027672, MeSH D009386, MONDO:0015356.

Allele frequency attached by ClinVar (database versions not stated): gnomAD exomes below 0.00001.

Submissions (2):

Ambry Genetics
Classification: Likely benign for Hereditary cancer-predisposing syndrome. Last evaluated: 2024-10-15. Review status: criteria provided, single submitter. Criteria: Ambry Variant Classification Scheme 2023. Collection method: clinical testing. Allele origin: germline.

Labcorp Genetics (formerly Invitae), Labcorp
Classification: Uncertain significance for Hereditary breast ovarian cancer syndrome. Last evaluated: 2024-05-13. Review status: criteria provided, single submitter. Criteria: Invitae Variant Classification Sherloc (09022015). Collection method: clinical testing. Allele origin: germline.
Comment: This sequence change replaces asparagine, which is neutral and polar, with isoleucine, which is neutral and non-polar, at codon 272 of the BRCA2 protein (p.Asn272Ile). This variant is not present in population databases (gnomAD no frequency). This missense change has been observed in individual(s) with breast cancer (PMID: 17216544, 19619314). Advanced modeling of protein sequence and biophysical properties (such as structural, functional, and spatial information, amino acid conservation, physicochemical variation, residue mobility, and thermodynamic stability) performed at Invitae indicates that this missense variant is not expected to disrupt BRCA2 protein function with a negative predictive value of 95%. In summary, the available evidence is currently insufficient to determine the role of this variant in disease. Therefore, it has been classified as a Variant of Uncertain Significance.

Literature cited by the submitters: PubMed 17216544 (cited by Labcorp Genetics (formerly Invitae), Labcorp); PubMed 19619314 (cited by Labcorp Genetics (formerly Invitae), Labcorp).

NM_000059.4(BRCA2):c.815A>T (p.Asn272Ile)

Gene: BRCA2 (BRCA2 DNA repair associated; plus strand). Cytogenetic location: 13q13.1.
Variant type: single nucleotide variant.
Coding change: c.815A>T on transcript NM_000059.4 (MANE Select); coding-DNA position 815, A replaced by T.
Protein change: p.Asn272Ile; replaces asparagine 272 with isoleucine.
Molecular consequence: missense variant. On other transcripts: non-coding transcript variant (1), intron variant (1).
Genome position (GRCh38, 1-based): chr13:32,332,293, A>T. VCF-style: chr13-32332293-A-T. GRCh37 (hg19) VCF-style: chr13-32906430-A-T.
Other names: c.815A>T, p.Asn272Ile (NM_001406719.1, NM_001406720.1, NM_001406721.1); c.424+1263A>T (NM_001406722.1); short protein forms N272I.
Identifiers: ClinVar variation 2847964 (VCV002847964.4), dbSNP rs2548518857, ClinGen allele CA387760405.